The following is an entry in ClinVar:

ClinVar aggregate classification (germline): Uncertain significance (1 of 4 stars; one submission).

Conditions:
Muscular dystrophy-dystroglycanopathy (congenital with brain and eye anomalies), type a, 12 (MDDGA12). Also called: WALKER-WARBURG SYNDROME OR MUSCLE-EYE-BRAIN DISEASE, POMK-RELATED. Identifiers: Orphanet 899, MedGen C3808964, MONDO:0014101, OMIM 615249.
Limb-girdle muscular dystrophy due to POMK deficiency. Also called: MUSCULAR DYSTROPHY-DYSTROGLYCANOPATHY, LIMB-GIRDLE, POMK-RELATED; Muscular dystrophy-dystroglycanopathy (limb-girdle), type c, 12. Identifiers: Orphanet 445110, MedGen C4015184, MONDO:0014489, OMIM 616094.

Submission:

Labcorp Genetics (formerly Invitae), Labcorp
Classification: Uncertain significance for Muscular dystrophy-dystroglycanopathy (congenital with brain and eye anomalies), type a, 12; Limb-girdle muscular dystrophy due to POMK deficiency. Last evaluated: 2025-10-23. Review status: criteria provided, single submitter. Criteria: Invitae Variant Classification Sherloc (09022015). Collection method: clinical testing. Allele origin: germline.
Comment: This sequence change replaces alanine, which is neutral and non-polar, with threonine, which is neutral and polar, at codon 44 of the POMK protein (p.Ala44Thr). This variant is present in population databases (no rsID available, gnomAD 0.0009%). This variant has not been reported in the literature in individuals affected with POMK-related conditions. Invitae Evidence Modeling of protein sequence and biophysical properties (such as structural, functional, and spatial information, amino acid conservation, physicochemical variation, residue mobility, and thermodynamic stability) indicates that this missense variant is not expected to disrupt POMK protein function with a negative predictive value of 80%. In summary, the available evidence is currently insufficient to determine the role of this variant in disease. Therefore, it has been classified as a Variant of Uncertain Significance.

NM_032237.5(POMK):c.130G>A (p.Ala44Thr)

Gene: POMK (protein O-mannose kinase; plus strand). Cytogenetic location: 8p11.21.
Variant type: single nucleotide variant.
Coding change: c.130G>A on transcript NM_032237.5 (MANE Select); coding-DNA position 130, G replaced by A.
Protein change: p.Ala44Thr; replaces alanine 44 with threonine.
Molecular consequence: missense variant.
Genome position (GRCh38, 1-based): chr8:43,103,678, G>A. VCF-style: chr8-43103678-G-A. GRCh37 (hg19) VCF-style: chr8-42958821-G-A.
Other names: c.130G>A, p.Ala44Thr (NM_001277971.2); short protein forms A44T.
Identifiers: ClinVar variation 4788900 (VCV004788900.1).